The following is an entry in ClinVar:

NM_001953.5(TYMP):c.897_898del (p.Pro300fs)

Genes: TYMP (thymidine phosphorylase; minus strand), LOC130067862 (ATAC-STARR-seq lymphoblastoid silent region 13986; plus strand). Cytogenetic location: 22q13.33.
Variant type: Deletion.
Coding change: c.897_898del on transcript NM_001953.5 (MANE Select); coding-DNA positions 897 to 898, 2 bases deleted (GC; older notation c.897_898delGC).
Protein change: p.Pro300fs; shifts the reading frame from proline 300.
Molecular consequence: frameshift variant.
Genome position (GRCh38, 1-based): chr22:50,526,606-50,526,607, GC deleted on the plus strand (GC on the coding strand, the reverse complement: TYMP is on the minus strand); deleting any 2 consecutive bases within chr22:50,526,606-50,526,608 gives the same sequence; the c. name uses the placement nearest the transcript's 3' end. VCF-style (leftmost placement, unchanged base first): chr22-50526605-GGC-G. GRCh37 (hg19) VCF-style: chr22-50965034-GGC-G.
Other names: c.897_898del, p.Pro300fs (NM_001113755.3, NM_001113756.3, NM_001257988.1 and 1 more transcripts); c.897_898del (NM_001953.4); short protein forms P300fs.
Identifiers: ClinVar variation 2004566 (VCV002004566.5), dbSNP rs1274535844, ClinGen allele CA640357365.

ClinVar aggregate classification (germline): Pathogenic/Likely pathogenic. Review status: criteria provided, multiple submitters, no conflicts (2 of 4 stars). 2 submissions from 2 submitters: Pathogenic (1); Likely pathogenic (1). Last evaluated 2025-06-10.

Conditions:
Mitochondrial neurogastrointestinal encephalomyopathy. Also called: Mitochondrial neurogastrointestinal encephalopathy syndrome; MNGIE syndrome; Thymidine phosphorylase deficiency. Identifiers: Orphanet 298, MedGen C0872218, MONDO:0017575.

Submissions (2):

Natera, Inc.
Classification: Likely pathogenic for Mitochondrial neurogastrointestinal encephalomyopathy. Last evaluated: 2025-06-10. Review status: criteria provided, single submitter. Criteria: Natera Variant Classification Schema (03/2026). Collection method: clinical testing. Allele origin: germline.
Comment: The c.897_898del variant in TYMP is a frameshift variant predicted to elongate the protein beyond the termination codon. This variant is expected to result in nonsense mediated decay, truncation, or a dysfunctional protein product. This variant is rare in the general population with a frequency below the threshold expected for the associated phenotype(s). Given the available evidence, this variant is classified as Likely Pathogenic.

Labcorp Genetics (formerly Invitae), Labcorp
Classification: Pathogenic. Last evaluated: 2022-06-17. Review status: criteria provided, single submitter. Criteria: Invitae Variant Classification Sherloc (09022015). Collection method: clinical testing. Allele origin: germline.
Comment: This sequence change results in a frameshift in the TYMP gene (p.Pro300Argfs*). While this is not anticipated to result in nonsense mediated decay, it is expected to disrupt the last 183 amino acid(s) of the TYMP protein and extend the protein by 183 additional amino acid residues. For these reasons, this variant has been classified as Pathogenic. This variant disrupts a region of the TYMP protein in which other variant(s) (p.Leu347Pro) have been determined to be pathogenic (PMID: 23590577; Invitae). This suggests that this is a clinically significant region of the protein, and that variants that disrupt it are likely to be disease-causing. This variant has not been reported in the literature in individuals affected with TYMP-related conditions. This variant is present in population databases (no rsID available, gnomAD 0.004%).

Literature cited by the submitters: PubMed 23590577 (cited by Labcorp Genetics (formerly Invitae), Labcorp).